The following is an entry in ClinVar:

NM_001354604.2(MITF):c.1354G>A (p.Asp452Asn)

Gene: MITF (melanocyte inducing transcription factor; plus strand). Cytogenetic location: 3p13.
Variant type: single nucleotide variant.
Coding change: c.1354G>A on transcript NM_001354604.2 (MANE Select); coding-DNA position 1354, G replaced by A.
Protein change: p.Asp452Asn; replaces aspartic acid 452 with asparagine.
Molecular consequence: missense variant.
Genome position (GRCh38, 1-based): chr3:69,965,021, G>A. VCF-style: chr3-69965021-G-A. GRCh37 (hg19) VCF-style: chr3-70014172-G-A.
Other names: c.1033G>A, p.Asp345Asn (NM_000248.4); c.1180G>A, p.Asp394Asn (NM_001184967.2, NM_001354608.2); c.1351G>A, p.Asp451Asn (NM_001354605.2); c.1333G>A, p.Asp445Asn (NM_001354606.2, NM_006722.3); c.1285G>A, p.Asp429Asn (NM_001354607.2); c.1015G>A, p.Asp339Asn (NM_198158.3); c.1336G>A, p.Asp446Asn (NM_198159.3); c.1288G>A, p.Asp430Asn (NM_198177.3); and 1 more; short protein forms D430N, D452N, D339N, D345N, D394N, D283N, D429N, D445N.
Identifiers: ClinVar variation 3396340 (VCV003396340.3).

ClinVar aggregate classification (germline): Uncertain significance. Review status: criteria provided, multiple submitters, no conflicts (2 of 4 stars). 2 submissions from 2 submitters: Uncertain significance (2). Last evaluated 2024-11-25.

Conditions:
Hereditary cancer-predisposing syndrome. Also called: Hereditary Cancer Syndrome; Tumor predisposition; Hereditary neoplastic syndrome; Neoplastic Syndromes, Hereditary. Identifiers: Orphanet 140162, MedGen C0027672, MeSH D009386, MONDO:0015356.
Waardenburg syndrome type 2A (WS2A). Also called: WAARDENBURG SYNDROME WITHOUT DYSTOPIA CANTHORUM. Identifiers: Orphanet 3440, MedGen C1860339, MONDO:0008671, OMIM 193510.
Melanoma, cutaneous malignant, susceptibility to, 8. Also called: MELANOMA AND RENAL CELL CARCINOMA, SUSCEPTIBILITY TO; Cutaneous malignant melanoma 8. Identifiers: Orphanet 293822, MedGen C3152204, MONDO:0013759, OMIM 614456.
Tietz syndrome (TADS). Also called: ALBINISM-DEAFNESS OF TIETZ; HYPOPIGMENTATION/DEAFNESS OF TIETZ; TIETZ ALBINISM-DEAFNESS SYNDROME. Identifiers: Orphanet 42665, MedGen C0391816, MONDO:0007077, OMIM 103500.

gnomAD v4.1: 2 of 1,614,080 alleles (0.00012%); highest among the groups gnomAD compares: Non-Finnish European, 0.00017%; no homozygotes.

Submissions (2):

Ambry Genetics
Classification: Uncertain significance for Hereditary cancer-predisposing syndrome. Last evaluated: 2024-11-25. Review status: criteria provided, single submitter. Criteria: Ambry Variant Classification Scheme 2023. Collection method: clinical testing. Allele origin: germline.
Comment: The p.D345N variant (also known as c.1033G>A), located in coding exon 9 of the MITF gene, results from a G to A substitution at nucleotide position 1033. The aspartic acid at codon 345 is replaced by asparagine, an amino acid with highly similar properties. This amino acid position is conserved. In addition, this alteration is predicted to be tolerated by in silico analysis. Based on the available evidence, the clinical significance of this variant remains unclear.

Labcorp Genetics (formerly Invitae), Labcorp
Classification: Uncertain significance for Melanoma, cutaneous malignant, susceptibility to, 8; Waardenburg syndrome type 2A; Tietz syndrome. Last evaluated: 2024-09-15. Review status: criteria provided, single submitter. Criteria: Invitae Variant Classification Sherloc (09022015). Collection method: clinical testing. Allele origin: germline.
Comment: This sequence change replaces aspartic acid, which is acidic and polar, with asparagine, which is neutral and polar, at codon 345 of the MITF protein (p.Asp345Asn). This variant is not present in population databases (gnomAD no frequency). This variant has not been reported in the literature in individuals affected with MITF-related conditions. Invitae Evidence Modeling of protein sequence and biophysical properties (such as structural, functional, and spatial information, amino acid conservation, physicochemical variation, residue mobility, and thermodynamic stability) indicates that this missense variant is not expected to disrupt MITF protein function with a negative predictive value of 80%. In summary, the available evidence is currently insufficient to determine the role of this variant in disease. Therefore, it has been classified as a Variant of Uncertain Significance.